The following is an entry in ClinVar:

NM_020693.4(DSCAML1):c.5179+4C>T

Gene: DSCAML1 (DS cell adhesion molecule like 1; minus strand). Cytogenetic location: 11q23.3.
Variant type: single nucleotide variant.
Coding change: c.5179+4C>T on transcript NM_020693.4 (MANE Select); 4 bases into the intron after coding-DNA position 5179, C replaced by T.
Molecular consequence: intron variant.
Genome position (GRCh38, 1-based): chr11:117,432,348, G>A on the plus strand (C>T on the coding strand, the complement: DSCAML1 is on the minus strand). VCF-style: chr11-117432348-G-A. GRCh37 (hg19) VCF-style: chr11-117303064-G-A.
Identifiers: ClinVar variation 2969077 (VCV002969077.3), dbSNP rs369981758, ClinGen allele CA6296149.

ClinVar aggregate classification (germline): Uncertain significance (1 of 4 stars; one submission).

Allele frequency attached by ClinVar (database versions not stated): gnomAD 0.00003; TOPMed 0.00005; ESP Exome Variant Server 0.00008.
gnomAD v4.1: 58 of 1,612,356 alleles (0.0036%); highest among the groups gnomAD compares: Non-Finnish European, 0.0045%; no homozygotes.

Submission:

Labcorp Genetics (formerly Invitae), Labcorp
Classification: Uncertain significance. Last evaluated: 2025-06-10. Review status: criteria provided, single submitter. Criteria: Invitae Variant Classification Sherloc (09022015). Collection method: clinical testing. Allele origin: germline.
Comment: This sequence change falls in intron 30 of the DSCAML1 gene. It does not directly change the encoded amino acid sequence of the DSCAML1 protein. It affects a nucleotide within the consensus splice site. This variant is present in population databases (rs369981758, gnomAD 0.005%). This variant has not been reported in the literature in individuals affected with DSCAML1-related conditions. ClinVar contains an entry for this variant (Variation ID: 2969077). Variants that disrupt the consensus splice site are a relatively common cause of aberrant splicing (PMID: 17576681, 9536098). Algorithms developed to predict the effect of sequence changes on RNA splicing suggest that this variant is not likely to affect RNA splicing. In summary, the available evidence is currently insufficient to determine the role of this variant in disease. Therefore, it has been classified as a Variant of Uncertain Significance.

Literature cited by the submitters: PubMed 17576681; PubMed 9536098.